The following is an entry in ClinVar:

ClinVar aggregate classification (germline): Pathogenic (1 of 4 stars; one submission).

Submission:

Labcorp Genetics (formerly Invitae), Labcorp
Classification: Pathogenic. Last evaluated: 2024-10-10. Review status: criteria provided, single submitter. Criteria: Invitae Variant Classification Sherloc (09022015). Collection method: clinical testing. Allele origin: germline.
Comment: This sequence change creates a premature translational stop signal (p.Lys153*) in the ADNP gene. While this is not anticipated to result in nonsense mediated decay, it is expected to disrupt the last 950 amino acid(s) of the ADNP protein. This variant is not present in population databases (gnomAD no frequency). This variant has not been reported in the literature in individuals affected with ADNP-related conditions. This variant disrupts a region of the ADNP protein in which other variant(s) (p.Met1088Serfs*5) have been determined to be pathogenic (PMID: 28135719). This suggests that this is a clinically significant region of the protein, and that variants that disrupt it are likely to be disease-causing. For these reasons, this variant has been classified as Pathogenic.

Literature cited by the submitters: PubMed 28135719.

NM_001282531.3(ADNP):c.456_460del (p.Leu152_Lys153insTer)

Gene: ADNP (activity dependent neuroprotector homeobox; minus strand). Cytogenetic location: 20q13.13.
Variant type: Deletion.
Coding change: c.456_460del on transcript NM_001282531.3 (MANE Select); coding-DNA positions 456 to 460, 5 bases deleted (TAAAC; older notation c.456_460delTAAAC).
Protein change: p.Leu152_Lys153insTer.
Molecular consequence: frameshift variant.
Genome position (GRCh38, 1-based): chr20:50,894,254-50,894,258, GTTTA deleted on the plus strand (TAAAC on the coding strand, the reverse complement: ADNP is on the minus strand). VCF-style (leftmost placement, unchanged base first): chr20-50894253-GGTTTA-G. GRCh37 (hg19) VCF-style: chr20-49510790-GGTTTA-G.
Other names: c.456_460del, p.Leu152_Lys153insTer (NM_001282532.2, NM_001347511.2, NM_015339.5 and 1 more transcripts).
Identifiers: ClinVar variation 3722683 (VCV003722683.2).
Genomic context (GRCh38, chr20:50,894,253, plus strand): 5'-TCTCGGTAAGTGCACTTCTTACAGTAATAAACAGCTTGCTCTACACTGTCAGCCTGCTTA[GGTTTA>G]AGGCCATCATTTTTGTTTTTATCTTTGAAAGTGCTGAGGCTGCTACTTGGTGCGCTGGCG-3'